The following is an entry in ClinVar:

NM_014956.5(CEP164):c.491C>G (p.Ser164Cys)

Gene: CEP164 (centrosomal protein 164; plus strand). Cytogenetic location: 11q23.3.
Variant type: single nucleotide variant.
Coding change: c.491C>G on transcript NM_014956.5 (MANE Select); coding-DNA position 491, C replaced by G.
Protein change: p.Ser164Cys; replaces serine 164 with cysteine.
Molecular consequence: missense variant.
Genome position (GRCh38, 1-based): chr11:117,361,932, C>G. VCF-style: chr11-117361932-C-G. GRCh37 (hg19) VCF-style: chr11-117232648-C-G.
Other names: c.491C>G (NM_014956.4); c.491C>G, p.Ser164Cys (NM_001271933.2); short protein forms S164C.
Identifiers: ClinVar variation 1351808 (VCV001351808.9), dbSNP rs149806421, ClinGen allele CA6294496.

ClinVar aggregate classification (germline): Uncertain significance. Review status: criteria provided, multiple submitters, no conflicts (2 of 4 stars). 4 submissions from 4 submitters: Uncertain significance (3). 1 of the submissions does not count toward it. Last evaluated 2023-12-11.

Conditions:
Nephronophthisis 15 (NPHP15). Identifiers: Orphanet 3156, MedGen C3541853, MONDO:0013917, OMIM 614845.
CEP164-related disorder. Also called: CEP164-related condition.
Inborn genetic diseases. Identifiers: MedGen C0950123, MeSH D030342.

Allele frequency attached by ClinVar (database versions not stated): gnomAD 0.00002; TOPMed 0.00003; ExAC 0.00004; gnomAD exomes 0.00004 and 0.00005; ESP Exome Variant Server 0.00008.
gnomAD v4.1: 75 of 1,610,248 alleles (0.0047%); highest among the groups gnomAD compares: Non-Finnish European, 0.0061%; no homozygotes.

Submissions (4):

Blueprint Genetics
Classification: Uncertain significance. Last evaluated: 2023-12-11. Review status: criteria provided, single submitter. Criteria: ACMG Guidelines, 2015. Collection method: clinical testing. Allele origin: germline.

Ambry Genetics
Classification: Uncertain significance for Inborn genetic diseases. Last evaluated: 2023-09-29. Review status: criteria provided, single submitter. Criteria: Ambry Variant Classification Scheme 2023. Collection method: clinical testing. Allele origin: germline.

Labcorp Genetics (formerly Invitae), Labcorp
Classification: Uncertain significance for Nephronophthisis 15. Last evaluated: 2023-08-30. Review status: criteria provided, single submitter. Criteria: Invitae Variant Classification Sherloc (09022015). Collection method: clinical testing. Allele origin: germline.
Comment: This sequence change replaces serine, which is neutral and polar, with cysteine, which is neutral and slightly polar, at codon 164 of the CEP164 protein (p.Ser164Cys). This variant is present in population databases (rs149806421, gnomAD 0.005%). This variant has not been reported in the literature in individuals affected with CEP164-related conditions. ClinVar contains an entry for this variant (Variation ID: 1351808). An algorithm developed to predict the effect of missense changes on protein structure and function (PolyPhen-2) suggests that this variant is likely to be disruptive. In summary, the available evidence is currently insufficient to determine the role of this variant in disease. Therefore, it has been classified as a Variant of Uncertain Significance.

PreventionGenetics, part of Exact Sciences
Classification: Uncertain significance for CEP164-related condition. Last evaluated: 2024-08-16. Review status: no assertion criteria provided. Collection method: clinical testing. Allele origin: germline. Not counted in ClinVar's aggregate classification.
Comment: The CEP164 c.491C>G variant is predicted to result in the amino acid substitution p.Ser164Cys. To our knowledge, this variant has not been reported in the literature. This variant is reported in 0.0080% of alleles in individuals of European (Non-Finnish) descent in gnomAD. At this time, the clinical significance of this variant is uncertain due to the absence of conclusive functional and genetic evidence.